The following is an entry in ClinVar:

ClinVar aggregate classification (germline): Uncertain significance (1 of 4 stars; one submission).

Conditions:
Blau syndrome (BLAUS). Also called: ARTHROCUTANEOUVEAL GRANULOMATOSIS; GRANULOMATOSIS, FAMILIAL JUVENILE SYSTEMIC; GRANULOMATOSIS, FAMILIAL, BLAU TYPE; GRANULOMATOUS INFLAMMATORY ARTHRITIS, DERMATITIS, AND UVEITIS, FAMILIAL; JABS SYNDROME. Identifiers: Orphanet 90340, MedGen C5201146, MONDO:0008523, OMIM 186580.
Regional enteritis. Also called: Enteritis, Granulomatous. Identifiers: MedGen C0678202, MeSH D003424.

gnomAD v4.1: 17 of 1,611,324 alleles (0.0011%); highest among the groups gnomAD compares: African/African-American, 0.0013%; no homozygotes.

Submission:

Labcorp Genetics (formerly Invitae), Labcorp
Classification: Uncertain significance for Regional enteritis; Blau syndrome. Last evaluated: 2024-01-07. Review status: criteria provided, single submitter. Criteria: Invitae Variant Classification Sherloc (09022015). Collection method: clinical testing. Allele origin: germline.
Comment: This sequence change replaces cysteine, which is neutral and slightly polar, with glycine, which is neutral and non-polar, at codon 167 of the NOD2 protein (p.Cys167Gly). This variant is present in population databases (rs769289791, gnomAD 0.002%). This variant has not been reported in the literature in individuals affected with NOD2-related conditions. ClinVar contains an entry for this variant (Variation ID: 1969188). Advanced modeling of protein sequence and biophysical properties (such as structural, functional, and spatial information, amino acid conservation, physicochemical variation, residue mobility, and thermodynamic stability) performed at Invitae indicates that this missense variant is not expected to disrupt NOD2 protein function with a negative predictive value of 95%. Algorithms developed to predict the effect of sequence changes on RNA splicing suggest that this variant may disrupt the consensus splice site. In summary, the available evidence is currently insufficient to determine the role of this variant in disease. Therefore, it has been classified as a Variant of Uncertain Significance.

NM_001370466.1(NOD2):c.418T>G (p.Cys140Gly)

Gene: NOD2 (nucleotide binding oligomerization domain containing 2; plus strand). Cytogenetic location: 16q12.1.
Variant type: single nucleotide variant.
Coding change: c.418T>G on transcript NM_001370466.1 (MANE Select); coding-DNA position 418, T replaced by G.
Protein change: p.Cys140Gly; replaces cysteine 140 with glycine.
Molecular consequence: missense variant. On other transcripts: non-coding transcript variant (1).
Genome position (GRCh38, 1-based): chr16:50,699,913, T>G. VCF-style: chr16-50699913-T-G. GRCh37 (hg19) VCF-style: chr16-50733824-T-G.
Other names: c.418T>G, p.Cys140Gly (NM_001293557.2); c.499T>G, p.Cys167Gly (NM_022162.3); short protein forms C140G, C167G.
Identifiers: ClinVar variation 1969188 (VCV001969188.5), dbSNP rs769289791, ClinGen allele CA8051293.